The following is an entry in ClinVar:

ClinVar aggregate classification (germline): Uncertain significance (1 of 4 stars; one submission).

Allele frequency attached by ClinVar (database versions not stated): gnomAD exomes below 0.00001; TOPMed below 0.00001.

Submission:

Labcorp Genetics (formerly Invitae), Labcorp
Classification: Uncertain significance. Last evaluated: 2023-02-27. Review status: criteria provided, single submitter. Criteria: Invitae Variant Classification Sherloc (09022015). Collection method: clinical testing. Allele origin: germline.
Comment: In summary, the available evidence is currently insufficient to determine the role of this variant in disease. Therefore, it has been classified as a Variant of Uncertain Significance. This variant has not been reported in the literature in individuals affected with TGFB1-related conditions. This variant is present in population databases (no rsID available, gnomAD 0.01%). This sequence change creates a premature translational stop signal (p.Tyr317Thrfs*66) in the TGFB1 gene. While this is not anticipated to result in nonsense mediated decay, it is expected to disrupt the last 74 amino acid(s) of the TGFB1 protein.

NM_000660.7(TGFB1):c.949del (p.Tyr317fs)

Gene: TGFB1 (transforming growth factor beta 1; minus strand). Cytogenetic location: 19q13.2.
Variant type: Deletion.
Coding change: c.949del on transcript NM_000660.7 (MANE Select); coding-DNA position 949, one base deleted (T; older notation c.949delT).
Protein change: p.Tyr317fs; shifts the reading frame from tyrosine 317.
Molecular consequence: frameshift variant.
Genome position (GRCh38, 1-based): chr19:41,332,193, A deleted on the plus strand (T on the coding strand, the reverse complement: TGFB1 is on the minus strand). VCF-style (leftmost placement, unchanged base first): chr19-41332192-TA-T. GRCh37 (hg19) VCF-style: chr19-41838097-TA-T.
Other names: short protein forms Y317fs.
Identifiers: ClinVar variation 2841342 (VCV002841342.3), dbSNP rs1476263428, ClinGen allele CA633470144.
Genomic context (GRCh38, chr19:41,332,192, plus strand): 5'-CTGTACTGCGTGTCCAGGCTCCAAATGTAGGGGCAGGGCCCGAGGCAGAAGTTGGCATGG[TA>T]GCCCTTGGGCTCGTGGATCCACTTCCAGCCGAGGTCCTTGCGGAAGTCAATGTACAGCTG-3'